The following is an entry in ClinVar:

NM_053025.4(MYLK):c.4790C>T (p.Thr1597Met)

Gene: MYLK (myosin light chain kinase; minus strand). Cytogenetic location: 3q21.1.
Variant type: single nucleotide variant.
Coding change: c.4790C>T on transcript NM_053025.4 (MANE Select); coding-DNA position 4790, C replaced by T.
Protein change: p.Thr1597Met; replaces threonine 1597 with methionine.
Molecular consequence: missense variant.
Genome position (GRCh38, 1-based): chr3:123,640,334, G>A on the plus strand (C>T on the coding strand, the complement: MYLK is on the minus strand). VCF-style: chr3-123640334-G-A. GRCh37 (hg19) VCF-style: chr3-123359181-G-A.
Other names: c.4262C>T, p.Thr1421Met (NM_001321309.2); c.4583C>T, p.Thr1528Met (NM_053026.4, NM_053028.4); c.4790C>T, p.Thr1597Met (NM_053027.4); short protein forms T1597M, T1421M, T1528M.
Identifiers: ClinVar variation 222740 (VCV000222740.7), dbSNP rs763260112, ClinGen allele CA072065.

ClinVar aggregate classification (germline): Uncertain significance. Review status: criteria provided, multiple submitters, no conflicts (2 of 4 stars). 3 submissions from 3 submitters: Uncertain significance (3). Last evaluated 2024-10-02.

Conditions:
Familial thoracic aortic aneurysm and aortic dissection (TAAD). Also called: Thoracic aortic aneurysms and dissections. Identifiers: Orphanet 91387, MedGen C4707243, MONDO:0019625.
Aortic aneurysm, familial thoracic 7 (AAT7). Also called: AORTIC DISSECTION, FAMILIAL, WITH OR WITHOUT AORTIC ANEURYSM. Identifiers: MedGen C3151077, MONDO:0013418, OMIM 613780.

Allele frequency attached by ClinVar (database versions not stated): ExAC 0.00001; TOPMed 0.00003; gnomAD 0.00001; gnomAD exomes 0.00001 and 0.00002.

Submissions (3):

GeneDx
Classification: Uncertain significance. Last evaluated: 2024-10-02. Review status: criteria provided, single submitter. Criteria: GeneDx Variant Classification Process June 2021. Collection method: clinical testing. Allele origin: germline. Affected: yes.
Comment: Has not been previously published as pathogenic or benign to our knowledge; In silico analysis supports that this missense variant has a deleterious effect on protein structure/function

Labcorp Genetics (formerly Invitae), Labcorp
Classification: Uncertain significance for Aortic aneurysm, familial thoracic 7. Last evaluated: 2024-04-25. Review status: criteria provided, single submitter. Criteria: Invitae Variant Classification Sherloc (09022015). Collection method: clinical testing. Allele origin: germline.
Comment: This sequence change replaces threonine, which is neutral and polar, with methionine, which is neutral and non-polar, at codon 1597 of the MYLK protein (p.Thr1597Met). This variant is present in population databases (rs763260112, gnomAD 0.01%). This variant has not been reported in the literature in individuals affected with MYLK-related conditions. ClinVar contains an entry for this variant (Variation ID: 222740). Advanced modeling of protein sequence and biophysical properties (such as structural, functional, and spatial information, amino acid conservation, physicochemical variation, residue mobility, and thermodynamic stability) has been performed at Invitae for this missense variant, however the output from this modeling did not meet the statistical confidence thresholds required to predict the impact of this variant on MYLK protein function. In summary, the available evidence is currently insufficient to determine the role of this variant in disease. Therefore, it has been classified as a Variant of Uncertain Significance.

Ambry Genetics
Classification: Uncertain significance for Familial thoracic aortic aneurysm and aortic dissection. Last evaluated: 2022-12-16. Review status: criteria provided, single submitter. Criteria: Ambry Variant Classification Scheme 2023. Collection method: clinical testing. Allele origin: germline.
Comment: The p.T1597M variant (also known as c.4790C>T), located in coding exon 25 of the MYLK gene, results from a C to T substitution at nucleotide position 4790. The threonine at codon 1597 is replaced by methionine, an amino acid with similar properties. This amino acid position is conserved. In addition, the in silico prediction for this alteration is inconclusive. Since supporting evidence is limited at this time, the clinical significance of this alteration remains unclear.